The following is an entry in ClinVar:

ClinVar aggregate classification (germline): Uncertain significance (3 of 4 stars; one submission).

Conditions:
CYP1B1-related glaucoma with or without anterior segment dysgenesis. Identifiers: MedGen CN375931, MONDO:0800472.

Submission:

ClinGen Glaucoma Variant Curation Expert Panel
Classification: Uncertain significance for CYP1B1-related glaucoma with or without anterior segment dysgenesis. Last evaluated: 2026-10-12. Review status: reviewed by expert panel. Criteria: ClinGen Glaucoma ACMG Specifications CYP1B1 V2.0. Collection method: curation. Allele origin: germline. Inheritance: Autosomal recessive inheritance.
Comment: The c.1007C>A variant in CYP1B1 is a missense variant predicted to cause substitution of Serine by Tyrosine at amino acid 336 (p.Ser336Tyr). The highest minor allele frequency of this variant was in the East Asian genetic ancestry group of gnomAD (v4.1) = 0.00004456 (2 alleles out of 44,888), which met the ≤ 0.0005 threshold set for PM2_Supporting in a genetic ancestry group of at least 2,000 alleles. The REVEL score = 0.924, which was within the 0.773-0.931 range for PP3_Moderate, predicting a damaging effect on CYP1B1 function. There was no functional evidence predicting a damaging or benign impact of this variant on CYP1B1 function. This variant has been identified in an individual with a CYP1B1-related phenotype. This individual is compound heterozygous for the variant and a pathogenic variant (phase unknown) (PMID: 19247456). Total proband points = 0.5, meeting PM3_Supporting. In summary, this variant met the criteria to receive a score of 4 and to be classified as a variant of uncertain significance (uncertain significance classification range -1 to 5, adapted from PMID: 32720330) for CYP1B1-related glaucoma with or without anterior segment dysgenesis (ASD) based on the ACMG/AMP criteria met, as specified by the ClinGen Glaucoma VCEP (v2.0, 16.07.2026): PP3_Moderate, PM2_Supporting, PM3_Supporting.

NM_000104.4(CYP1B1):c.1007C>A (p.Ser336Tyr)

Gene: CYP1B1 (cytochrome P450 family 1 subfamily B member 1; minus strand). Cytogenetic location: 2p22.2.
Variant type: single nucleotide variant.
Coding change: c.1007C>A on transcript NM_000104.4 (MANE Select); coding-DNA position 1007, C replaced by A.
Protein change: p.Ser336Tyr; replaces serine 336 with tyrosine.
Molecular consequence: missense variant.
Genome position (GRCh38, 1-based): chr2:38,074,382, G>T on the plus strand (C>A on the coding strand, the complement: CYP1B1 is on the minus strand). VCF-style: chr2-38074382-G-T. GRCh37 (hg19) VCF-style: chr2-38301525-G-T.
Other names: NM_000104.4:c.1007C>A; short protein forms S336Y.
Identifiers: ClinVar variation 5018479 (VCV005018479.1).